The following continues an entry in ClinVar:

NM_000245.4(MET):c.144G>A (p.Ala48=)

Gene: MET. ClinVar aggregate classification (germline): Benign/Likely benign. Benign (17); Likely benign (1).

Submissions 22 to 45 of 45:

Dr. Peter K. Rogan Lab, Western University
No classification provided (evidence only). Condition: Colon adenocarcinoma. Review status: no classification provided. Collection method: in vitro. Allele origin: not applicable. Functional consequence: skipped exon. Not counted in ClinVar's aggregate classification.

Dr. Peter K. Rogan Lab, Western University
No classification provided (evidence only). Condition: Colorectal cancer. Review status: no classification provided. Collection method: in vitro. Allele origin: not applicable. Functional consequence: skipped exon. Not counted in ClinVar's aggregate classification.

Dr. Peter K. Rogan Lab, Western University
No classification provided (evidence only). Condition: Uterine corpus endometrial carcinoma. Review status: no classification provided. Collection method: in vitro. Allele origin: not applicable. Functional consequence: skipped exon. Not counted in ClinVar's aggregate classification.

Dr. Peter K. Rogan Lab, Western University
No classification provided (evidence only). Condition: Uterine corpus endometrial carcinoma. Review status: no classification provided. Collection method: in vitro. Allele origin: not applicable. Functional consequence: retained intron. Not counted in ClinVar's aggregate classification.

Dr. Peter K. Rogan Lab, Western University
No classification provided (evidence only). Condition: Hepatocellular carcinoma. Review status: no classification provided. Collection method: in vitro. Allele origin: not applicable. Functional consequence: retained intron. Not counted in ClinVar's aggregate classification.

Dr. Peter K. Rogan Lab, Western University
No classification provided (evidence only). Condition: Hepatocellular carcinoma. Review status: no classification provided. Collection method: in vitro. Allele origin: not applicable. Functional consequence: skipped exon, retained intron. Not counted in ClinVar's aggregate classification.

Dr. Peter K. Rogan Lab, Western University
No classification provided (evidence only). Condition: Hepatocellular carcinoma. Review status: no classification provided. Collection method: in vitro. Allele origin: not applicable. Functional consequence: skipped exon. Not counted in ClinVar's aggregate classification.

Dr. Peter K. Rogan Lab, Western University
No classification provided (evidence only). Condition: Hepatocellular carcinoma. Review status: no classification provided. Collection method: in vitro. Allele origin: not applicable. Functional consequence: retained intron. Not counted in ClinVar's aggregate classification.

Dr. Peter K. Rogan Lab, Western University
No classification provided (evidence only). Condition: Hepatocellular carcinoma. Review status: no classification provided. Collection method: in vitro. Allele origin: not applicable. Functional consequence: skipped exon. Not counted in ClinVar's aggregate classification.

Dr. Peter K. Rogan Lab, Western University
No classification provided (evidence only). Condition: Hepatocellular carcinoma. Review status: no classification provided. Collection method: in vitro. Allele origin: not applicable. Functional consequence: skipped exon. Not counted in ClinVar's aggregate classification.

Dr. Peter K. Rogan Lab, Western University
No classification provided (evidence only). Condition: Nonpapillary renal cell carcinoma. Review status: no classification provided. Collection method: in vitro. Allele origin: not applicable. Functional consequence: skipped exon. Not counted in ClinVar's aggregate classification.

Dr. Peter K. Rogan Lab, Western University
No classification provided (evidence only). Condition: Thymoma. Review status: no classification provided. Collection method: in vitro. Allele origin: not applicable. Functional consequence: retained intron. Not counted in ClinVar's aggregate classification.

Dr. Peter K. Rogan Lab, Western University
No classification provided (evidence only). Condition: Thymoma. Review status: no classification provided. Collection method: in vitro. Allele origin: not applicable. Functional consequence: skipped exon. Not counted in ClinVar's aggregate classification.

Dr. Peter K. Rogan Lab, Western University
No classification provided (evidence only). Condition: Thymoma. Review status: no classification provided. Collection method: in vitro. Allele origin: not applicable. Functional consequence: retained intron. Not counted in ClinVar's aggregate classification.

Dr. Peter K. Rogan Lab, Western University
No classification provided (evidence only). Condition: Thymoma. Review status: no classification provided. Collection method: in vitro. Allele origin: not applicable. Functional consequence: retained intron. Not counted in ClinVar's aggregate classification.

Dr. Peter K. Rogan Lab, Western University
No classification provided (evidence only). Condition: Uveal melanoma. Review status: no classification provided. Collection method: in vitro. Allele origin: not applicable. Functional consequence: retained intron. Not counted in ClinVar's aggregate classification.

Dr. Peter K. Rogan Lab, Western University
No classification provided (evidence only). Condition: Uveal melanoma. Review status: no classification provided. Collection method: in vitro. Allele origin: not applicable. Functional consequence: skipped exon. Not counted in ClinVar's aggregate classification.

Dr. Peter K. Rogan Lab, Western University
No classification provided (evidence only). Condition: Uveal melanoma. Review status: no classification provided. Collection method: in vitro. Allele origin: not applicable. Functional consequence: skipped exon, retained intron. Not counted in ClinVar's aggregate classification.

Dr. Peter K. Rogan Lab, Western University
No classification provided (evidence only). Condition: Malignant tumor of esophagus. Review status: no classification provided. Collection method: in vitro. Allele origin: not applicable. Functional consequence: retained intron. Not counted in ClinVar's aggregate classification.

Dr. Peter K. Rogan Lab, Western University
No classification provided (evidence only). Condition: Malignant tumor of esophagus. Review status: no classification provided. Collection method: in vitro. Allele origin: not applicable. Functional consequence: skipped exon, retained intron. Not counted in ClinVar's aggregate classification.

Dr. Peter K. Rogan Lab, Western University
No classification provided (evidence only). Condition: Malignant tumor of esophagus. Review status: no classification provided. Collection method: in vitro. Allele origin: not applicable. Functional consequence: skipped exon. Not counted in ClinVar's aggregate classification.

Dr. Peter K. Rogan Lab, Western University
No classification provided (evidence only). Condition: Malignant tumor of esophagus. Review status: no classification provided. Collection method: in vitro. Allele origin: not applicable. Functional consequence: skipped exon. Not counted in ClinVar's aggregate classification.

Genome Diagnostics Laboratory, University Medical Center Utrecht
Classification: Benign. Review status: no assertion criteria provided. Collection method: clinical testing. Allele origin: germline. Affected: yes. Study: VKGL Data-share Consensus. Not counted in ClinVar's aggregate classification.

Joint Genome Diagnostic Labs from Nijmegen and Maastricht, Radboudumc and MUMC+
Classification: Benign. Review status: no assertion criteria provided. Collection method: clinical testing. Allele origin: germline. Affected: yes. Study: VKGL Data-share Consensus. Not counted in ClinVar's aggregate classification.